The following is an entry in ClinVar:

ClinVar aggregate classification (germline): Likely pathogenic (1 of 4 stars; one submission).

Conditions:
Autosomal recessive Alport syndrome (ATS2). Also called: Alport syndrome type 2; COL4A4 Alport Syndrome and Thin Basement Membrane Nephropathy; ALPORT SYNDROME 2, AUTOSOMAL RECESSIVE; COL4A3-Related Nephropathy. Identifiers: Orphanet 63, Orphanet 88919, MedGen C4746745, MONDO:0008762, OMIM 203780.

Submission:

Myriad Genetics, Inc.
Classification: Likely pathogenic for Autosomal recessive Alport syndrome. Last evaluated: 2022-05-18. Review status: criteria provided, single submitter. Criteria: Myriad Women's Health Autosomal Recessive and X-Linked Classification Criteria (2021). Collection method: clinical testing. Allele origin: unknown.
Comment: NM_000092.4(COL4A4):c.3466dupC(Q1156Pfs*34) is expected to be pathogenic in the context of COL4A4-related Alport syndrome. This variant is predicted to lead to an abnormal or absent protein product due to the creation of a premature termination codon in COL4A4, a gene where loss-of-function variants are known to be pathogenic. Please note: this variant was assessed in the context of healthy population screening.

NM_000092.5(COL4A4):c.3466dup (p.Gln1156fs)

Gene: COL4A4 (collagen type IV alpha 4 chain; minus strand). Cytogenetic location: 2q36.3.
Variant type: Duplication.
Coding change: c.3466dup on transcript NM_000092.5 (MANE Select); coding-DNA position 3466, one base duplicated (C; older notation c.3466dupC).
Protein change: p.Gln1156fs; shifts the reading frame from glutamine 1156.
Molecular consequence: frameshift variant.
Genome position (GRCh38, 1-based): chr2:227,042,187, G duplicated on the plus strand (C on the coding strand, the reverse complement: COL4A4 is on the minus strand); the first of 2 consecutive G bases (chr2:227,042,187-227,042,188); duplicating either gives the same sequence. VCF-style (leftmost placement, unchanged base first): chr2-227042186-T-TG. GRCh37 (hg19) VCF-style: chr2-227906902-T-TG.
Other names: short protein forms Q1156fs.
Identifiers: ClinVar variation 1726073 (VCV001726073.2), dbSNP rs2473691099, ClinGen allele CA2580065830.